The following is an entry in ClinVar:

ClinVar aggregate classification (germline): Uncertain significance. Review status: criteria provided, multiple submitters, no conflicts (2 of 4 stars). 4 submissions from 4 submitters: Uncertain significance (4). Last evaluated 2026-07-04.

Conditions:
Hypertrophic cardiomyopathy 25 (CMH25). Also called: CARDIOMYOPATHY, FAMILIAL HYPERTROPHIC, 25. Identifiers: MedGen C4225408, MONDO:0011843, OMIM 607487.
Primary familial hypertrophic cardiomyopathy (HCM). Identifiers: Orphanet 99739, MedGen C0949658, MeSH D024741, MONDO:0024573. Inheritance: Various modes of inheritance.
Autosomal recessive limb-girdle muscular dystrophy type 2G (LGMDR7). Also called: MUSCULAR DYSTROPHY, LIMB-GIRDLE, AUTOSOMAL RECESSIVE 7; Telethoninopathy; Limb-girdle muscular dystrophy, type 2G. Identifiers: Orphanet 34514, MedGen C1866008, MONDO:0011170, OMIM 601954.
Cardiovascular phenotype. Identifiers: MedGen CN230736.

Allele frequency attached by ClinVar (database versions not stated): gnomAD exomes below 0.00001; TOPMed 0.00002.

Submissions (4):

Ambry Genetics
Classification: Uncertain significance for Cardiovascular phenotype. Last evaluated: 2026-07-04. Review status: criteria provided, single submitter. Criteria: Ambry Variant Classification Scheme 2023. Collection method: clinical testing. Allele origin: germline.
Comment: The p.M160V variant (also known as c.478A>G), located in coding exon 2 of the TCAP gene, results from an A to G substitution at nucleotide position 478. The methionine at codon 160 is replaced by valine, an amino acid with highly similar properties. This amino acid position is conserved. In addition, this alteration is predicted to be tolerated by in silico analysis. Based on the available evidence, the clinical significance of this variant remains unclear.

GeneDx
Classification: Uncertain significance. Last evaluated: 2024-12-24. Review status: criteria provided, single submitter. Criteria: GeneDx Variant Classification Process June 2021. Collection method: clinical testing. Allele origin: germline. Affected: yes.
Comment: Not observed at significant frequency in large population cohorts (gnomAD); In silico analysis indicates that this missense variant does not alter protein structure/function; Has not been previously published as pathogenic or benign to our knowledge; This variant is associated with the following publications: (PMID: 16490376)

Fulgent Genetics
Classification: Uncertain significance for Autosomal recessive limb-girdle muscular dystrophy type 2G; Hypertrophic cardiomyopathy 25. Last evaluated: 2021-08-02. Review status: criteria provided, single submitter. Criteria: ACMG Guidelines, 2015. Collection method: clinical testing. Allele origin: unknown.

Labcorp Genetics (formerly Invitae), Labcorp
Classification: Uncertain significance for Hypertrophic cardiomyopathy 25; Primary familial hypertrophic cardiomyopathy. Last evaluated: 2020-02-04. Review status: criteria provided, single submitter. Criteria: Invitae Variant Classification Sherloc (09022015). Collection method: clinical testing. Allele origin: germline.
Comment: In summary, the available evidence is currently insufficient to determine the role of this variant in disease. Therefore, it has been classified as a Variant of Uncertain Significance. Algorithms developed to predict the effect of missense changes on protein structure and function (SIFT, PolyPhen-2, Align-GVGD) all suggest that this variant is likely to be tolerated, but these predictions have not been confirmed by published functional studies and their clinical significance is uncertain. This variant has not been reported in the literature in individuals with TCAP-related conditions. This variant is not present in population databases (ExAC no frequency). This sequence change replaces methionine with valine at codon 160 of the TCAP protein (p.Met160Val). The methionine residue is highly conserved and there is a small physicochemical difference between methionine and valine.

NM_003673.4(TCAP):c.478A>G (p.Met160Val)

Gene: TCAP (titin-cap; plus strand). Cytogenetic location: 17q12.
Variant type: single nucleotide variant.
Coding change: c.478A>G on transcript NM_003673.4 (MANE Select); coding-DNA position 478, A replaced by G.
Protein change: p.Met160Val; replaces methionine 160 with valine.
Molecular consequence: missense variant.
Genome position (GRCh38, 1-based): chr17:39,666,083, A>G. VCF-style: chr17-39666083-A-G. GRCh37 (hg19) VCF-style: chr17-37822336-A-G.
Other names: c.478A>G (NM_003673.3); short protein forms M160V.
Identifiers: ClinVar variation 1026939 (VCV001026939.13), dbSNP rs1057106389, ClinGen allele CA290434241.
Genomic context (GRCh38, chr17:39,666,083, plus strand): 5'-CTGCCCCCTGTGGTGCCTGTCAGCAAGCCCGGTGCACTTCGTCGCTCCCTGTCCCGCTCC[A>G]TGTCCCAGGAAGCACAGAGAGGCTGAGAGGGACTGTGACTTGGGCTCCGCTGTGCCCGCC-3'
Protein context (NP_003664.1, residues 150-167): GALRRSLSRS[Met160Val]SQEAQRG